The following is an entry in ClinVar:

NM_001103.4(ACTN2):c.2678A>G (p.Asp893Gly)

Gene: ACTN2 (actinin alpha 2; plus strand). Cytogenetic location: 1q43.
Variant type: single nucleotide variant.
Coding change: c.2678A>G on transcript NM_001103.4 (MANE Select); coding-DNA position 2678, A replaced by G.
Protein change: p.Asp893Gly; replaces aspartic acid 893 with glycine.
Molecular consequence: missense variant.
Genome position (GRCh38, 1-based): chr1:236,762,612, A>G. VCF-style: chr1-236762612-A-G. GRCh37 (hg19) VCF-style: chr1-236925912-A-G.
Other names: p.D893G:GAT>GGT; c.2678A>G, p.Asp893Gly (NM_001278343.2); c.2054A>G, p.Asp685Gly (NM_001278344.2); short protein forms D893G, D685G.
Identifiers: ClinVar variation 201651 (VCV000201651.16), dbSNP rs199920384, ClinGen allele CA335051.

ClinVar aggregate classification (germline): Conflicting classifications of pathogenicity. Review status: criteria provided, conflicting classifications (1 of 4 stars). 5 submissions from 5 submitters: Uncertain significance (4); Likely benign (1). Last evaluated 2026-01-18.

Conditions:
Dilated cardiomyopathy 1AA (CMD1AA). Also called: Cardiomyopathy, dilated, 1AA, with or without LVNC; CARDIOMYOPATHY, DILATED, 1AA, WITH OR WITHOUT LEFT VENTRICULAR NONCOMPACTION; CARDIOMYOPATHY, FAMILIAL HYPERTROPHIC, 23, WITH OR WITHOUT LEFT VENTRICULAR NONCOMPACTION. Identifiers: Orphanet 154, MedGen C2677338, MONDO:0012808, OMIM 612158.
Myopathy, congenital, with structured cores and z-line abnormalities. Also called: MULTIPLE STRUCTURED CORE DISEASE; CONGENITAL MYOPATHY 8. Identifiers: MedGen C5231445, MONDO:0032852, OMIM 618654.
Myopathy, distal, 6, adult-onset, autosomal dominant. Identifiers: MedGen C5203349, MONDO:0032853, OMIM 618655.
Cardiovascular phenotype. Identifiers: MedGen CN230736.
Primary familial hypertrophic cardiomyopathy (HCM). Identifiers: Orphanet 99739, MedGen C0949658, MeSH D024741, MONDO:0024573. Inheritance: Various modes of inheritance.

Allele frequency attached by ClinVar (database versions not stated): gnomAD 0.00006; gnomAD exomes 0.00006 and 0.00002; ExAC 0.00003; TOPMed 0.00004.
gnomAD v4.1: 93 of 1,613,872 alleles (0.0058%); highest among the groups gnomAD compares: Non-Finnish European, 0.0073%; no homozygotes.

Submissions (5):

Labcorp Genetics (formerly Invitae), Labcorp
Classification: Likely benign for Primary familial hypertrophic cardiomyopathy; Dilated cardiomyopathy 1AA. Last evaluated: 2026-01-18. Review status: criteria provided, single submitter. Criteria: Invitae Variant Classification Sherloc (09022015). Collection method: clinical testing. Allele origin: germline.

Ambry Genetics
Classification: Uncertain significance for Cardiovascular phenotype. Last evaluated: 2022-11-22. Review status: criteria provided, single submitter. Criteria: Ambry Variant Classification Scheme 2023. Collection method: clinical testing. Allele origin: germline.
Comment: The p.D893G variant (also known as c.2678A>G), located in coding exon 21 of the ACTN2 gene, results from an A to G substitution at nucleotide position 2678. The aspartic acid at codon 893 is replaced by glycine, an amino acid with similar properties. This alteration has been reported in a pediatric cardiomyopathy cohort; however, clinical details were limited and additional alterations in other cardiac-related genes were identified (Burstein DS et al. Pediatr Res, 2021 05;89:1470-1476). This amino acid position is highly conserved in available vertebrate species. In addition, this alteration is predicted to be deleterious by in silico analysis. Since supporting evidence is limited at this time, the clinical significance of this alteration remains unclear.

GeneDx
Classification: Uncertain significance. Last evaluated: 2022-05-03. Review status: criteria provided, single submitter. Criteria: GeneDx Variant Classification Process June 2021. Collection method: clinical testing. Allele origin: germline. Affected: yes.
Comment: Identified in a pediatric patient with cardiomyopathy in the published literature (Burstein et al., 2021); this patient also harbored a pathogenic variant in MYBPC3; In silico analysis supports that this missense variant has a deleterious effect on protein structure/function; This variant is associated with the following publications: (PMID: 22863191, 32746448)

Fulgent Genetics
Classification: Uncertain significance for Dilated cardiomyopathy 1AA; Myopathy, congenital, with structured cores and z-line abnormalities; Myopathy, distal, 6, adult-onset, autosomal dominant. Last evaluated: 2021-09-08. Review status: criteria provided, single submitter. Criteria: ACMG Guidelines, 2015. Collection method: clinical testing. Allele origin: unknown.

Stanford Center for Inherited Cardiovascular Disease, Stanford University
Classification: Uncertain significance. Last evaluated: 2016-10-28. Review status: criteria provided, single submitter. Criteria: ACMG Guidelines, 2015. Collection method: provider interpretation. Allele origin: germline.

Literature cited by the submitters: PubMed 32746448 (cited by Ambry Genetics).